The following is an entry in ClinVar:

NM_000484.4(APP):c.2067G>A (p.Val689=)

Gene: APP (amyloid beta precursor protein; minus strand). Cytogenetic location: 21q21.3.
Variant type: single nucleotide variant.
Coding change: c.2067G>A on transcript NM_000484.4 (MANE Select); coding-DNA position 2067, G replaced by A.
Protein change: p.Val689=; no amino-acid change (valine 689 retained).
Molecular consequence: synonymous variant.
Genome position (GRCh38, 1-based): chr21:25,891,866, C>T on the plus strand (G>A on the coding strand, the complement: APP is on the minus strand). VCF-style: chr21-25891866-C-T. GRCh37 (hg19) VCF-style: chr21-27264178-C-T.
Other names: c.1995G>A, p.Val665= (NM_001136016.3); c.1674G>A, p.Val558= (NM_001136129.3); c.1899G>A, p.Val633= (NM_001136130.3, NM_001385253.1); c.1737G>A, p.Val579= (NM_001136131.3); c.2013G>A, p.Val671= (NM_001204301.2); c.1956G>A, p.Val652= (NM_001204302.2); c.1788G>A, p.Val596= (NM_001204303.2); c.2010G>A, p.Val670= (NM_201413.3); and 1 more.
Identifiers: ClinVar variation 3896097 (VCV003896097.1).

ClinVar aggregate classification (germline): Uncertain significance (1 of 4 stars; one submission).

gnomAD v4.1: 2 of 1,613,832 alleles (0.00012%); highest among the groups gnomAD compares: Non-Finnish European, 0.00017%; no homozygotes.

Submission:

Women's Health and Genetics/Laboratory Corporation of America, LabCorp
Classification: Uncertain significance. Last evaluated: 2025-03-19. Review status: criteria provided, single submitter. Criteria: LabCorp Variant Classification Summary - May 2015. Collection method: clinical testing. Allele origin: germline.
Comment: Variant summary: APP c.2067G>A (p.Val689Val) alters a conserved nucleotide located close to a canonical splice site and therefore could affect mRNA splicing, leading to a significantly altered protein sequence. Several computational tools predict a significant impact on normal splicing: One predicts the variant creates a 5' donor site. One predicts the variant strengthens a cryptic 5' donor site. Three predict the variant weakens a cryptic 3' acceptor site. However, these predictions have yet to be confirmed by functional studies. The variant was absent in 250996 control chromosomes. The available data on variant occurrences in the general population are insufficient to allow any conclusion about variant significance. To our knowledge, no occurrence of c.2067G>A in individuals affected with APP-related conditions and no experimental evidence demonstrating its impact on protein function have been reported. No submitters have cited clinical-significance assessments for this variant to ClinVar. Based on the evidence outlined above, the variant was classified as uncertain significance.